The following is an entry in ClinVar:

NM_000043.6(FAS):c.958A>G (p.Ser320Gly)

Gene: FAS (Fas cell surface death receptor; plus strand). Cytogenetic location: 10q23.31.
Variant type: single nucleotide variant.
Coding change: c.958A>G on transcript NM_000043.6 (MANE Select); coding-DNA position 958, A replaced by G.
Protein change: p.Ser320Gly; replaces serine 320 with glycine.
Molecular consequence: missense variant. On other transcripts: 3 prime UTR variant (2), non-coding transcript variant (7).
Genome position (GRCh38, 1-based): chr10:89,014,400, A>G. VCF-style: chr10-89014400-A-G. GRCh37 (hg19) VCF-style: chr10-90774157-A-G.
Other names: c.*281A>G (NM_001320619.2); c.895A>G, p.Ser299Gly (NM_152871.4); c.*270A>G (NM_152872.4); short protein forms S320G, S299G.
Identifiers: ClinVar variation 532230 (VCV000532230.13), dbSNP rs146209060, ClinGen allele CA5593242.

ClinVar aggregate classification (germline): Conflicting classifications of pathogenicity. Review status: criteria provided, conflicting classifications (1 of 4 stars). 3 submissions from 3 submitters: Uncertain significance (1); Likely benign (2). Last evaluated 2025-11-03.

Conditions:
Autoimmune lymphoproliferative syndrome type 1. Also called: AUTOIMMUNE LYMPHOPROLIFERATIVE SYNDROME, TYPE I, AUTOSOMAL DOMINANT. Identifiers: Orphanet 3261, MedGen C2717884, MONDO:0011158, OMIM 601859.
FAS-related disorder. Also called: FAS-related condition.

Allele frequency attached by ClinVar (database versions not stated): gnomAD exomes 0.00002 and 0.00006; ExAC 0.00008; gnomAD 0.00025 and 0.00028; TOPMed 0.00030; ESP Exome Variant Server 0.00054.
gnomAD v4.1: 71 of 1,612,978 alleles (0.0044%); highest among the groups gnomAD compares: African/African-American, 0.08%; no homozygotes.

Submissions (3):

Labcorp Genetics (formerly Invitae), Labcorp
Classification: Likely benign for Autoimmune lymphoproliferative syndrome. Last evaluated: 2025-11-03. Review status: criteria provided, single submitter. Criteria: Invitae Variant Classification Sherloc (09022015). Collection method: clinical testing. Allele origin: germline.

PreventionGenetics, part of Exact Sciences
Classification: Likely benign for FAS-related condition. Last evaluated: 2025-04-11. Review status: criteria provided, single submitter. Criteria: ACMG Guidelines, 2015. Collection method: clinical testing. Allele origin: germline.
Comment: This variant is classified as likely benign based on ACMG/AMP sequence variant interpretation guidelines (Richards et al. 2015 PMID: 25741868, with internal and published modifications).

Blueprint Genetics
Classification: Uncertain significance. Last evaluated: 2019-03-27. Review status: criteria provided, single submitter. Criteria: ACMG Guidelines, 2015. Collection method: clinical testing. Allele origin: germline.